The following is an entry in ClinVar:

ClinVar aggregate classification (germline): Conflicting classifications of pathogenicity. Review status: criteria provided, conflicting classifications (1 of 4 stars). 9 submissions from 9 submitters: Uncertain significance (7); Benign (1); Likely benign (1). Last evaluated 2026-01-28.

Conditions:
Classic or attenuated familial adenomatous polyposis. Identifiers: MedGen CN372698, MONDO:0021057.
Hereditary cancer-predisposing syndrome. Also called: Neoplastic Syndromes, Hereditary; Tumor predisposition; Hereditary Cancer Syndrome; Hereditary neoplastic syndrome. Identifiers: Orphanet 140162, MedGen C0027672, MeSH D009386, MONDO:0015356.
Familial adenomatous polyposis 1 (FAP1). Also called: FAMILIAL ADENOMATOUS POLYPOSIS 1, ATTENUATED; POLYPOSIS, ADENOMATOUS INTESTINAL. Identifiers: MedGen C2713442, MONDO:0021056, OMIM 175100. Disease mechanism: loss of function.

Allele frequency attached by ClinVar (database versions not stated): ExAC 0.00001; gnomAD 0.00001; gnomAD exomes 0.00001.
gnomAD v4.1: 8 of 1,613,982 alleles (0.0005%); highest among the groups gnomAD compares: Admixed American, 0.013%; no homozygotes.

Submissions (9):

Labcorp Genetics (formerly Invitae), Labcorp
Classification: Uncertain significance for Familial adenomatous polyposis 1. Last evaluated: 2026-01-28. Review status: criteria provided, single submitter. Criteria: Invitae Variant Classification Sherloc (09022015). Collection method: clinical testing. Allele origin: germline.
Comment: This sequence change replaces glycine, which is neutral and non-polar, with valine, which is neutral and non-polar, at codon 998 of the APC protein (p.Gly998Val). This variant is present in population databases (rs759579036, gnomAD 0.009%). This missense change has been observed in individual(s) with Lynch syndrome-related cancers (PMID: 25980754). ClinVar contains an entry for this variant (Variation ID: 233564). Invitae Evidence Modeling of protein sequence and biophysical properties (such as structural, functional, and spatial information, amino acid conservation, physicochemical variation, residue mobility, and thermodynamic stability) indicates that this missense variant is not expected to disrupt APC protein function with a negative predictive value of 95%. In summary, the available evidence is currently insufficient to determine the role of this variant in disease. Therefore, it has been classified as a Variant of Uncertain Significance.

Women's Health and Genetics/Laboratory Corporation of America, LabCorp
Classification: Uncertain significance. Last evaluated: 2025-10-31. Review status: criteria provided, single submitter. Criteria: LabCorp Variant Classification Summary - May 2015. Collection method: clinical testing. Allele origin: germline.
Comment: Variant summary: APC c.2993G>T (p.Gly998Val) results in a non-conservative amino acid change in the encoded protein sequence. Algorithms developed to predict the effect of missense changes on protein structure and function all suggest that this variant is likely to be disruptive. The variant allele was found at a frequency of 1.2e-05 in 251292 control chromosomes. The available data on variant occurrences in the general population are insufficient to allow any conclusion about variant significance. c.2993G>T has been observed in individual(s) affected with Lynch syndrome related cancer (example: Yurgelun_2015). These report(s) do not provide unequivocal conclusions about association of the variant with Familial Adenomatous Polyposis. To our knowledge, no experimental evidence demonstrating an impact on protein function has been reported. The following publication has been ascertained in the context of this evaluation (PMID: 25980754). ClinVar contains an entry for this variant (Variation ID: 233564). Based on the evidence outlined above, the variant was classified as uncertain significance.

Color Diagnostics, LLC DBA Color Health
Classification: Likely benign for Hereditary cancer-predisposing syndrome. Last evaluated: 2025-04-14. Review status: criteria provided, single submitter. Criteria: ACMG Guidelines, 2015. Collection method: clinical testing. Allele origin: germline.

Ambry Genetics
Classification: Benign for Hereditary cancer-predisposing syndrome. Last evaluated: 2024-07-23. Review status: criteria provided, single submitter. Criteria: Ambry Variant Classification Scheme 2023. Collection method: clinical testing. Allele origin: germline.

Baylor Genetics
Classification: Uncertain significance for Familial adenomatous polyposis 1. Last evaluated: 2023-09-19. Review status: criteria provided, single submitter. Criteria: ACMG Guidelines, 2015. Collection method: clinical testing. Allele origin: unknown.

GeneDx
Classification: Uncertain significance. Last evaluated: 2023-08-30. Review status: criteria provided, single submitter. Criteria: GeneDx Variant Classification Process June 2021. Collection method: clinical testing. Allele origin: germline. Affected: yes.
Comment: Not observed at significant frequency in large population cohorts (gnomAD); In silico analysis supports that this missense variant does not alter protein structure/function; Observed in at least one individual who had a history of Lynch syndrome-associated cancer and/or polyps (Yurgelun et al., 2015); This variant is associated with the following publications: (PMID: 25980754)

All of Us Research Program, National Institutes of Health
Classification: Uncertain significance for Classic or attenuated familial adenomatous polyposis. Last evaluated: 2023-06-28. Review status: criteria provided, single submitter. Criteria: ACMG Guidelines, 2015. Collection method: clinical testing. Allele origin: germline. Inheritance: Autosomal dominant inheritance. Observed: 1 variant allele, 1 heterozygote.
Comment: This missense variant replaces glycine with valine at codon 998 of the APC protein. Computational prediction is inconclusive regarding the impact of this variant on protein structure and function (internally defined REVEL score threshold 0.5 < inconclusive < 0.7, PMID: 27666373). To our knowledge, functional studies have not been reported for this variant. This variant has been reported in an individual suspected of having Lynch syndrome (PMID: 25980754). This variant has been identified in 3/251292 chromosomes in the general population by the Genome Aggregation Database (gnomAD). The available evidence is insufficient to determine the role of this variant in disease conclusively. Therefore, this variant is classified as a Variant of Uncertain Significance.

This study involves interpretation of variants in research participants for the purpose of population health screening. Participant phenotype was not available at the time of variant classification. Additional details can be found in publication PMID: 35346344, PMCID: PMC8962531

Quest Diagnostics Nichols Institute San Juan Capistrano
Classification: Uncertain significance. Last evaluated: 2022-10-07. Review status: criteria provided, single submitter. Criteria: Quest Diagnostics criteria. Collection method: clinical testing. Allele origin: unknown.
Comment: To the best of our knowledge, the variant has not been reported in the published literature. The frequency of this variant in the general population, 0.000087 (3/34588 chromosomes), is uninformative in assessment of its pathogenicity. Analysis of this variant using bioinformatics tools for the prediction of the effect of amino acid changes on protein structure and function yielded predictions that this variant is damaging. Based on the available information, we are unable to determine the clinical significance of this variant.

St. Jude Molecular Pathology, St. Jude Children's Research Hospital
Classification: Uncertain significance for Familial adenomatous polyposis 1. Last evaluated: 2021-08-03. Review status: criteria provided, single submitter. Criteria: St. Jude Assertion Criteria 2020. Collection method: clinical testing. Allele origin: germline.

Literature cited by the submitters: PubMed 25980754 (cited by 3 submitters).

NM_000038.6(APC):c.2993G>T (p.Gly998Val)

Gene: APC (APC regulator of Wnt signaling pathway; plus strand). Cytogenetic location: 5q22.2.
Variant type: single nucleotide variant.
Coding change: c.2993G>T on transcript NM_000038.6 (MANE Select); coding-DNA position 2993, G replaced by T.
Protein change: p.Gly998Val; replaces glycine 998 with valine.
Molecular consequence: missense variant.
Genome position (GRCh38, 1-based): chr5:112,838,587, G>T. VCF-style: chr5-112838587-G-T. GRCh37 (hg19) VCF-style: chr5-112174284-G-T.
Other names: c.2690G>T, p.Gly897Val (NM_001354903.2); c.2615G>T, p.Gly872Val (NM_001354904.2); c.2513G>T, p.Gly838Val (NM_001354905.2); c.2144G>T, p.Gly715Val (NM_001354906.2); c.2993G>T, p.Gly998Val (NM_001127510.3, NM_001354895.2); c.2939G>T, p.Gly980Val (NM_001127511.3); c.3047G>T, p.Gly1016Val (NM_001354896.2); c.3023G>T, p.Gly1008Val (NM_001354897.2); and 5 more; short protein forms G980V, G998V, G1008V, G838V, G715V, G897V, G907V, G957V.
Identifiers: ClinVar variation 233564 (VCV000233564.26), dbSNP rs759579036, ClinGen allele CA034190.